The following is an entry in ClinVar:

ClinVar aggregate classification (germline): Pathogenic. Review status: reviewed by expert panel (3 of 4 stars). 4 submissions from 4 submitters: Pathogenic (1). 3 of the submissions do not count toward it. Last evaluated 2023-08-25.

Conditions:
CDH1-related diffuse gastric and lobular breast cancer syndrome. Also called: CDH1-related diffuse gastric and lobular breast cancer. Identifiers: MedGen CN311521, MONDO:0100488.
Hereditary diffuse gastric adenocarcinoma (HDGC). Also called: DIFFUSE GASTRIC AND LOBULAR BREAST CANCER SYNDROME. Identifiers: Orphanet 26106, MedGen C1708349, MONDO:0007648, OMIM 137215.
Hereditary cancer-predisposing syndrome. Also called: Neoplastic Syndromes, Hereditary; Hereditary neoplastic syndrome; Tumor predisposition; Hereditary Cancer Syndrome. Identifiers: Orphanet 140162, MedGen C0027672, MeSH D009386, MONDO:0015356.

Submissions (4):

Clingen Gastric Cancer Variant Curation Expert Panel
Classification: Pathogenic for CDH1-related diffuse gastric and lobular breast cancer syndrome. Last evaluated: 2023-08-25. Review status: reviewed by expert panel. Criteria: ClinGen CDH1 ACMG Specifications V3.1. Collection method: curation. Allele origin: germline. Inheritance: Autosomal dominant inheritance.
Comment: The c.2276delG (p.Gly759Glufs) variant is predicted to result in a premature stop codon that leads to a truncated or absent protein (PVS1, PM5_Supporting). The variant is absent in the gnomAD cohort (PM2_Supporting). This variant has been reported in at least one family meeting HDGC clinical criteria (PS4_Supporting; PMID 16061854). In summary, this variant meets criteria to be classified as pathogenic based on the ACMG/AMP criteria applied as specified by the CDH1 Variant Curation Expert Panel (Variant Interpretation Guidelines Version 3.1): PVS1, PM2_Supporting, PS4_Supporting, PM5_Supporting.

Myriad Genetics, Inc.
Classification: Pathogenic for Hereditary diffuse gastric adenocarcinoma. Last evaluated: 2023-06-15. Review status: criteria provided, single submitter. Criteria: Myriad Autosomal Dominant, Autosomal Recessive and X-Linked Classification Criteria (2023). Collection method: clinical testing. Allele origin: unknown. Not counted in ClinVar's aggregate classification.
Comment: This variant is considered pathogenic. This variant creates a frameshift predicted to result in premature protein truncation.

Ambry Genetics
Classification: Pathogenic for Hereditary cancer-predisposing syndrome. Last evaluated: 2020-03-06. Review status: criteria provided, single submitter. Criteria: Ambry Variant Classification Scheme 2023. Collection method: clinical testing. Allele origin: germline. Not counted in ClinVar's aggregate classification.
Comment: The c.2276delG pathogenic mutation, located in coding exon 14 of the CDH1 gene, results from a deletion of one nucleotide at nucleotide position 2276, causing a translational frameshift with a predicted alternate stop codon (p.G759Efs*11). This mutation has been previously reported in a family with diffuse gastric cancer and lobular breast cancer (Suriano G et al. Clin. Cancer Res. 2005 Aug;11:5401-9). In addition to the clinical data presented in the literature, this alteration is expected to result in loss of function by premature protein truncation or nonsense-mediated mRNA decay. As such, this alteration is interpreted as a disease-causing mutation.

GeneDx
Classification: Pathogenic. Last evaluated: 2018-04-27. Review status: criteria provided, single submitter. Criteria: GeneDx Variant Classification (06012015). Collection method: clinical testing. Allele origin: germline. Affected: yes. Not counted in ClinVar's aggregate classification.
Comment: This deletion of one nucleotide in CDH1 is denoted c.2276delG at the cDNA level and p.Gly759GlufsX11 (G759EfsX11) at the protein level. The normal sequence, with the base that is deleted in brackets, is GAAG[delG]AGGC. The deletion causes a frameshift which changes a Glycine to a Glutamic Acid at codon 759, and creates a premature stop codon at position 11 of the new reading frame. This variant is predicted to cause loss of normal protein function through either protein truncation or nonsense-mediated mRNA decay. CDH1 c.2276delG has been observed in at least one family with confirmed diffuse gastric and lobular breast cancer (Suriano 2005). We consider this variant to be pathogenic.

Literature cited by the submitters: PubMed 21271559 (cited by Clingen Gastric Cancer Variant Curation Expert Panel); PubMed 16061854 (cited by Clingen Gastric Cancer Variant Curation Expert Panel and Ambry Genetics).

NM_004360.5(CDH1):c.2276del (p.Gly759fs)

Gene: CDH1 (cadherin 1; plus strand). Cytogenetic location: 16q22.1.
Variant type: Deletion.
Coding change: c.2276del on transcript NM_004360.5 (MANE Select); coding-DNA position 2276, one base deleted (G; older notation c.2276delG).
Protein change: p.Gly759fs; shifts the reading frame from glycine 759.
Molecular consequence: frameshift variant.
Genome position (GRCh38, 1-based): chr16:68,828,285, G deleted; the last of 2 consecutive G bases (chr16:68,828,284-68,828,285); deleting either gives the same sequence. VCF-style (leftmost placement, unchanged base first): chr16-68828283-AG-A. GRCh37 (hg19) VCF-style: chr16-68862186-AG-A.
Other names: c.2093del, p.Gly698fs (NM_001317184.2); c.728del, p.Gly243fs (NM_001317185.2); c.311del, p.Gly104fs (NM_001317186.2); c.2276del (LRG_301t1); short protein forms G243fs, G698fs, G759fs, G104fs.
Identifiers: ClinVar variation 545738 (VCV000545738.8), dbSNP rs1555517680, ClinGen allele CA496157186.